The following is an entry in ClinVar:

NM_000395.3(CSF2RB):c.1391G>A (p.Gly464Asp)

Gene: CSF2RB (colony stimulating factor 2 receptor subunit beta; plus strand). Cytogenetic location: 22q12.3.
Variant type: single nucleotide variant.
Coding change: c.1391G>A on transcript NM_000395.3 (MANE Select); coding-DNA position 1391, G replaced by A.
Protein change: p.Gly464Asp; replaces glycine 464 with aspartic acid.
Molecular consequence: missense variant.
Genome position (GRCh38, 1-based): chr22:36,935,426, G>A. VCF-style: chr22-36935426-G-A. GRCh37 (hg19) VCF-style: chr22-37331468-G-A.
Other names: c.1409G>A, p.Gly470Asp (NM_001410827.1); short protein forms G464D, G470D.
Identifiers: ClinVar variation 4693419 (VCV004693419.1).
Genomic context (GRCh38, chr22:36,935,426, plus strand): 5'-TGCTGGCCCTCATCGTGATCTTCCTCACCATCGCTGTGCTCCTGGCCCTCCGCTTCTGTG[G>A]CATCTACGGGTACAGGTGAGGGGACTCTGTGGGGCTGGAGGTGGCAGCCGAGACCCCAGA-3'
Protein context (NP_000386.1, residues 454-474): IAVLLALRFC[Gly464Asp]IYGYRLRRKW

ClinVar aggregate classification (germline): Uncertain significance (1 of 4 stars; one submission).

gnomAD v4.1: 10 of 1,614,178 alleles (0.00062%); highest among the groups gnomAD compares: Non-Finnish European, 0.00085%; no homozygotes.

Submission:

Labcorp Genetics (formerly Invitae), Labcorp
Classification: Uncertain significance. Last evaluated: 2025-12-15. Review status: criteria provided, single submitter. Criteria: Invitae Variant Classification Sherloc (09022015). Collection method: clinical testing. Allele origin: germline.
Comment: This sequence change replaces glycine, which is neutral and non-polar, with aspartic acid, which is acidic and polar, at codon 464 of the CSF2RB protein (p.Gly464Asp). This variant is not present in population databases (gnomAD no frequency). This variant has not been reported in the literature in individuals affected with CSF2RB-related conditions. Invitae Evidence Modeling of protein sequence and biophysical properties (such as structural, functional, and spatial information, amino acid conservation, physicochemical variation, residue mobility, and thermodynamic stability) indicates that this missense variant is expected to disrupt CSF2RB protein function with a positive predictive value of 80%. In summary, the available evidence is currently insufficient to determine the role of this variant in disease. Therefore, it has been classified as a Variant of Uncertain Significance.